The following is an entry in ClinVar:

ClinVar aggregate classification (germline): Uncertain significance. Review status: criteria provided, multiple submitters, no conflicts (2 of 4 stars). 2 submissions from 2 submitters: Uncertain significance (2). Last evaluated 2025-09-25.

Conditions:
Kleefstra syndrome 2 (KLEFS2). Identifiers: MedGen C4540395, MONDO:0054701, OMIM 617768.

Allele frequency attached by ClinVar (database versions not stated): TOPMed below 0.00001; gnomAD exomes 0.00001.
gnomAD v4.1: 11 of 1,614,008 alleles (0.00068%); highest among the groups gnomAD compares: Non-Finnish European, 0.00093%; no homozygotes.

Submissions (2):

Labcorp Genetics (formerly Invitae), Labcorp
Classification: Uncertain significance. Last evaluated: 2025-09-25. Review status: criteria provided, single submitter. Criteria: Invitae Variant Classification Sherloc (09022015). Collection method: clinical testing. Allele origin: germline.
Comment: This sequence change replaces glutamic acid, which is acidic and polar, with aspartic acid, which is acidic and polar, at codon 4792 of the KMT2C protein (p.Glu4792Asp). This variant is present in population databases (no rsID available, gnomAD 0.007%). This variant has not been reported in the literature in individuals affected with KMT2C-related conditions. ClinVar contains an entry for this variant (Variation ID: 1709318). An algorithm developed to predict the effect of missense changes on protein structure and function (PolyPhen-2) suggests that this variant is likely to be disruptive. In summary, the available evidence is currently insufficient to determine the role of this variant in disease. Therefore, it has been classified as a Variant of Uncertain Significance.

MGZ Medical Genetics Center
Classification: Uncertain significance for Kleefstra syndrome 2. Last evaluated: 2022-04-12. Review status: criteria provided, single submitter. Criteria: ACMG Guidelines, 2015. Collection method: clinical testing. Allele origin: germline. Affected: yes. Observed: 1 variant allele.
Comment: ACMG criteria applied: PM2_SUP, BP4

NM_170606.3(KMT2C):c.14376G>C (p.Glu4792Asp)

Gene: KMT2C (lysine methyltransferase 2C; minus strand). Cytogenetic location: 7q36.1.
Variant type: single nucleotide variant.
Coding change: c.14376G>C on transcript NM_170606.3 (MANE Select); coding-DNA position 14376, G replaced by C.
Protein change: p.Glu4792Asp; replaces glutamic acid 4792 with aspartic acid.
Molecular consequence: missense variant.
Genome position (GRCh38, 1-based): chr7:152,139,759, C>G on the plus strand (G>C on the coding strand, the complement: KMT2C is on the minus strand). VCF-style: chr7-152139759-C-G. GRCh37 (hg19) VCF-style: chr7-151836844-C-G.
Other names: short protein forms E4792D.
Identifiers: ClinVar variation 1709318 (VCV001709318.3), dbSNP rs1169599565, ClinGen allele CA370086023.